The following is an entry in ClinVar:

NM_001287.6(CLCN7):c.1420G>T (p.Val474Leu)

Gene: CLCN7 (chloride voltage-gated channel 7; minus strand). Cytogenetic location: 16p13.3.
Variant type: single nucleotide variant.
Coding change: c.1420G>T on transcript NM_001287.6 (MANE Select); coding-DNA position 1420, G replaced by T.
Protein change: p.Val474Leu; replaces valine 474 with leucine.
Molecular consequence: missense variant.
Genome position (GRCh38, 1-based): chr16:1,451,650, C>A on the plus strand (G>T on the coding strand, the complement: CLCN7 is on the minus strand). VCF-style: chr16-1451650-C-A. GRCh37 (hg19) VCF-style: chr16-1501651-C-A.
Other names: c.1348G>T, p.Val450Leu (NM_001114331.3); short protein forms V450L, V474L.
Identifiers: ClinVar variation 3637160 (VCV003637160.2).

ClinVar aggregate classification (germline): Uncertain significance (1 of 4 stars; one submission).

Submission:

Labcorp Genetics (formerly Invitae), Labcorp
Classification: Uncertain significance. Last evaluated: 2024-12-17. Review status: criteria provided, single submitter. Criteria: Invitae Variant Classification Sherloc (09022015). Collection method: clinical testing. Allele origin: germline.
Comment: This sequence change replaces valine, which is neutral and non-polar, with leucine, which is neutral and non-polar, at codon 474 of the CLCN7 protein (p.Val474Leu). This variant is not present in population databases (gnomAD no frequency). This variant has not been reported in the literature in individuals affected with CLCN7-related conditions. Invitae Evidence Modeling of protein sequence and biophysical properties (such as structural, functional, and spatial information, amino acid conservation, physicochemical variation, residue mobility, and thermodynamic stability) indicates that this missense variant is not expected to disrupt CLCN7 protein function with a negative predictive value of 95%. Algorithms developed to predict the effect of sequence changes on RNA splicing suggest that this variant may create or strengthen a splice site. In summary, the available evidence is currently insufficient to determine the role of this variant in disease. Therefore, it has been classified as a Variant of Uncertain Significance.